The following is an entry in ClinVar:

ClinVar aggregate classification (germline): Pathogenic (1 of 4 stars; one submission).

Conditions:
Early-infantile DEE. Also called: Early infantile epileptic encephalopathy with suppression bursts; Ohtahara syndrome; Early infantile epileptic encephalopathy. Identifiers: Orphanet 1934, MedGen C0393706, MONDO:0800491.

Submission:

Labcorp Genetics (formerly Invitae), Labcorp
Classification: Pathogenic for Early-infantile DEE. Last evaluated: 2025-10-23. Review status: criteria provided, single submitter. Criteria: Invitae Variant Classification Sherloc (09022015). Collection method: clinical testing. Allele origin: germline.
Comment: This variant, c.1095_1103del, results in the deletion of 3 amino acid(s) of the SCN1A protein (p.Asp366_Phe368del), but otherwise preserves the integrity of the reading frame. This variant is not present in population databases (gnomAD no frequency). This variant has not been reported in the literature in individuals affected with SCN1A-related conditions. This variant disrupts a region of the SCN1A protein in which other variant(s) (p.Asp366His) have been determined to be pathogenic (internal data). This suggests that this is a clinically significant region of the protein, and that variants that disrupt it are likely to be disease-causing. For these reasons, this variant has been classified as Pathogenic.

NM_001165963.4(SCN1A):c.1095_1103del (p.Asp366_Phe368del)

Gene: SCN1A (sodium voltage-gated channel alpha subunit 1; minus strand). Cytogenetic location: 2q24.3.
Variant type: Deletion.
Coding change: c.1095_1103del on transcript NM_001165963.4 (MANE Select); coding-DNA positions 1095 to 1103, 9 bases deleted (TGATACCTT; older notation c.1095_1103delTGATACCTT).
Protein change: p.Asp366_Phe368del.
Molecular consequence: inframe deletion. On other transcripts: 5 prime UTR variant (1), non-coding transcript variant (1).
Genome position (GRCh38, 1-based): chr2:166,047,694-166,047,702, AAGGTATCA deleted on the plus strand (TGATACCTT on the coding strand, the reverse complement: SCN1A is on the minus strand); deleting any 9 consecutive bases within chr2:166,047,694-166,047,705 gives the same sequence; the c. name uses the placement nearest the transcript's 3' end. VCF-style (leftmost placement, unchanged base first): chr2-166047693-GAAGGTATCA-G. GRCh37 (hg19) VCF-style: chr2-166904203-GAAGGTATCA-G.
Other names: c.1095_1103del, p.Asp366_Phe368del (NM_001165964.3, NM_001202435.3, NM_001353948.2 and 10 more transcripts); c.-1331_-1323del (NM_001353961.2).
Identifiers: ClinVar variation 4727561 (VCV004727561.1).